The following is an entry in ClinVar:

NM_001366385.1(CARD14):c.676-7C>A

Gene: CARD14 (caspase recruitment domain family member 14; plus strand). Cytogenetic location: 17q25.3.
Variant type: single nucleotide variant.
Coding change: c.676-7C>A on transcript NM_001366385.1 (MANE Select); 7 bases into the intron before coding-DNA position 676, C replaced by A.
Molecular consequence: intron variant.
Genome position (GRCh38, 1-based): chr17:80,188,370, C>A. VCF-style: chr17-80188370-C-A. GRCh37 (hg19) VCF-style: chr17-78162169-C-A.
Other names: c.676-7C>A (NM_024110.4, NM_001257970.1); c.-36-7C>A (NM_052819.3).
Identifiers: ClinVar variation 2944816 (VCV002944816.3), dbSNP rs768424345, ClinGen allele CA2740093947.

ClinVar aggregate classification (germline): Uncertain significance (1 of 4 stars; one submission).

Conditions:
Psoriasis 2. Identifiers: MedGen C1864497, MONDO:0011269, OMIM 602723.
Pityriasis rubra pilaris (PRP). Also called: Pityriasis rubra pilaris--familial type. Identifiers: Orphanet 2897, MedGen C0032027, MONDO:0100017, OMIM 173200, MONDO:0008251.

Submission:

Labcorp Genetics (formerly Invitae), Labcorp
Classification: Uncertain significance for Pityriasis rubra pilaris; Psoriasis 2. Last evaluated: 2023-02-28. Review status: criteria provided, single submitter. Criteria: Invitae Variant Classification Sherloc (09022015). Collection method: clinical testing. Allele origin: germline.
Comment: In summary, the available evidence is currently insufficient to determine the role of this variant in disease. Therefore, it has been classified as a Variant of Uncertain Significance. Algorithms developed to predict the effect of sequence changes on RNA splicing suggest that this variant may disrupt the consensus splice site. This variant has not been reported in the literature in individuals affected with CARD14-related conditions. This variant is not present in population databases (gnomAD no frequency). This sequence change falls in intron 4 of the CARD14 gene. It does not directly change the encoded amino acid sequence of the CARD14 protein.